The following is an entry in ClinVar:

ClinVar aggregate classification (germline): Conflicting classifications of pathogenicity. Review status: criteria provided, conflicting classifications (1 of 4 stars). 2 submissions from 2 submitters: Likely pathogenic (1); Uncertain significance (1). Last evaluated 2026-02-10.

Conditions:
Isolated Pierre-Robin syndrome. Also called: pierre robin association; Pierre-Robin sequence; Pierre Robin Syndrome; Robin sequence; GLOSSOPTOSIS, MICROGNATHIA, AND CLEFT PALATE. Identifiers: Orphanet 718, MedGen C0031900, MONDO:0009869, OMIM 261800, HP:0000201.
Neurodevelopmental delay. Identifiers: MedGen C4022738, HP:0012758.
Periventricular nodular heterotopia (PVNH). Identifiers: Orphanet 98892, MedGen C1868720, MeSH D054091, MONDO:0020341, HP:0032388.
Clubfoot. Also called: congenital talipes equinovarus; Talipes equinovarus; Club foot; CLUBFOOT, CONGENITAL, WITH OR WITHOUT DEFICIENCY OF LONG BONES AND/OR MIRROR-IMAGE POLYDACTYLY; Clubfeet. Identifiers: Orphanet 199315, MedGen C0009081, MONDO:0007342, OMIM 119800, HP:0001762.
Hypocalcemia. Identifiers: MedGen C0020598, HP:0002901.

Allele frequency attached by ClinVar (database versions not stated): TOPMed below 0.00001; ESP Exome Variant Server 0.00008.

Submissions (2):

GeneDx
Classification: Uncertain significance. Last evaluated: 2026-02-10. Review status: criteria provided, single submitter. Criteria: GeneDx Variant Classification Process June 2021. Collection method: clinical testing. Allele origin: germline.
Comment: Published functional studies suggest a damaging effect: variant reduces calcium's ability to travel across the membrane through channel (PMID: 37926713); Not observed at significant frequency in large population cohorts (gnomAD); In silico analysis supports that this missense variant has a deleterious effect on protein structure/function; This variant is associated with the following publications: (PMID: 37926713)

Kids Research, The Children's Hospital at Westmead
Classification: Likely pathogenic for Neurodevelopmental delay; Periventricular nodular heterotopia; Isolated Pierre-Robin syndrome; Clubfoot; Hypocalcemia. Last evaluated: 2022-01-12. Review status: criteria provided, single submitter. Criteria: ACMG Guidelines, 2015. Collection method: research. Allele origin: inherited. Inheritance: Autosomal recessive inheritance. Affected: yes. Observed: 1 compound heterozygote.

NM_001366521.1(ATP2B1):c.2938G>T (p.Val980Leu)

Gene: ATP2B1 (ATPase plasma membrane Ca2+ transporting 1; minus strand). Cytogenetic location: 12q21.33.
Variant type: single nucleotide variant.
Coding change: c.2938G>T on transcript NM_001366521.1 (MANE Select); coding-DNA position 2938, G replaced by T.
Protein change: p.Val980Leu; replaces valine 980 with leucine.
Molecular consequence: missense variant.
Genome position (GRCh38, 1-based): chr12:89,603,165, C>A on the plus strand (G>T on the coding strand, the complement: ATP2B1 is on the minus strand). VCF-style: chr12-89603165-C-A. GRCh37 (hg19) VCF-style: chr12-89996942-C-A.
Other names: c.2938G>T (NM_001682.2); c.2938G>T, p.Val980Leu (NM_001001323.2, NM_001366520.1, NM_001366522.1 and 8 more transcripts); c.2740G>T, p.Val914Leu (NM_001366530.1); c.2377G>T, p.Val793Leu (NM_001366531.1, NM_001366532.1); short protein forms V793L, V914L, V980L.
Identifiers: ClinVar variation 1334403 (VCV001334403.3), dbSNP rs370810713, ClinGen allele CA241193778.